The following is an entry in ClinVar:

ClinVar aggregate classification (germline): Likely pathogenic (1 of 4 stars; one submission).

Conditions:
Schöpf-Schulz-Passarge syndrome. Also called: ECCRINE TUMORS WITH ECTODERMAL DYSPLASIA; KERATOSIS PALMOPLANTARIS WITH CYSTIC EYELIDS, HYPODONTIA, AND HYPOTRICHOSIS; SchC6pf-Schulz-Passarge syndrome. Identifiers: Orphanet 50944, MedGen C1857069, MONDO:0009145, OMIM 224750.

Submission:

Natera, Inc.
Classification: Likely pathogenic for Schopf-Schulz-Passarge syndrome. Last evaluated: 2024-08-13. Review status: criteria provided, single submitter. Criteria: Natera Variant Classification Schema (03/2026). Collection method: clinical testing. Allele origin: germline.
Comment: The c.633G>A variant in WNT10A is a nonsense variant predicted to introduce a stop codon at amino acid 211. This variant is expected to result in nonsense mediated decay, truncation, or a dysfunctional protein product. This variant is rare in the general population with a frequency below the threshold expected for the associated phenotype(s). Given the available evidence, this variant is classified as Likely Pathogenic.

NM_025216.3(WNT10A):c.633G>A (p.Trp211Ter)

Gene: WNT10A (Wnt family member 10A; plus strand). Cytogenetic location: 2q35.
Variant type: single nucleotide variant.
Coding change: c.633G>A on transcript NM_025216.3 (MANE Select); coding-DNA position 633, G replaced by A.
Protein change: p.Trp211Ter; replaces tryptophan 211 with a stop codon.
Molecular consequence: nonsense.
Genome position (GRCh38, 1-based): chr2:218,890,240, G>A. VCF-style: chr2-218890240-G-A. GRCh37 (hg19) VCF-style: chr2-219754962-G-A.
Other names: short protein forms W211*.
Identifiers: ClinVar variation 4816262 (VCV004816262.1).
Genomic context (GRCh38, chr2:218,890,240, plus strand): 5'-GGTCCCGGAACACCCAGCCCTGCCCACAGCCAGCCCAGGCCTGCAGGACTCCTGGGAGTG[G>A]GGCGGCTGCAGCCCCGACATGGGCTTCGGGGAGCGCTTTTCTAAGGACTTTCTGGACTCC-3'